The following is an entry in ClinVar:

ClinVar aggregate classification (germline): Pathogenic/Likely pathogenic. Review status: criteria provided, multiple submitters, no conflicts (2 of 4 stars). 2 submissions from 2 submitters: Pathogenic (1); Likely pathogenic (1). Last evaluated 2026-05-08.

Conditions:
Paget disease of bone 2, early-onset (PDB2). Also called: Paget disease of bone 2. Identifiers: MedGen C4085251, MONDO:0011183, OMIM 602080.
Frontotemporal dementia and/or amyotrophic lateral sclerosis 1 (FTDALS1). Also called: C9orf72 Frontotemporal Dementia and/or Amyotrophic Lateral Sclerosis; Frontotemporal dementia with motor neuron disease 1. Identifiers: Orphanet 275872, MedGen C5779877, MONDO:0007105, OMIM 105550.
Rare neuromuscular disorders.

Submissions (2):

North West Genomic Laboratory Hub, Manchester University NHS Foundation Trust
Classification: Likely pathogenic for Rare neuromuscular disorders. Last evaluated: 2026-05-08. Review status: criteria provided, single submitter. Criteria: ACGS Best Practice Guidelines for Variant Classification in Rare Disease 2024. Collection method: clinical testing. Allele origin: germline. Affected: yes.
Comment: PM4_Mod PS3_Supp PM2_Mod PM1_Supp

Labcorp Genetics (formerly Invitae), Labcorp
Classification: Pathogenic for Paget disease of bone 2, early-onset; Frontotemporal dementia and/or amyotrophic lateral sclerosis 1. Last evaluated: 2024-06-11. Review status: criteria provided, single submitter. Criteria: Invitae Variant Classification Sherloc (09022015). Collection method: clinical testing. Allele origin: germline.
Comment: This sequence change creates a premature translational stop signal (p.Glu396*) in the SQSTM1 gene. While this is not anticipated to result in nonsense mediated decay, it is expected to disrupt the last 45 amino acid(s) of the SQSTM1 protein. This variant is present in population databases (no rsID available, gnomAD 0.0009%). This premature translational stop signal has been observed in individuals with Paget disease of bone and frontotemporal lobar degeneration or amyotrophic lateral sclerosis (PMID: 12374763, 24899140, 25664955, 28642336). It has also been observed to segregate with disease in related individuals. ClinVar contains an entry for this variant (Variation ID: 835699). Algorithms developed to predict the effect of sequence changes on RNA splicing suggest that this variant may create or strengthen a splice site. For these reasons, this variant has been classified as Pathogenic.

Literature cited by the submitters: PubMed 12374763 (cited by Labcorp Genetics (formerly Invitae), Labcorp); PubMed 24899140 (cited by Labcorp Genetics (formerly Invitae), Labcorp); PubMed 25664955 (cited by Labcorp Genetics (formerly Invitae), Labcorp); PubMed 28642336 (cited by Labcorp Genetics (formerly Invitae), Labcorp).

NM_003900.5(SQSTM1):c.1185dup (p.Glu396Ter)

Gene: SQSTM1 (sequestosome 1; plus strand). Cytogenetic location: 5q35.3.
Variant type: Duplication.
Coding change: c.1185dup on transcript NM_003900.5 (MANE Select); coding-DNA position 1185, one base duplicated (T; older notation c.1185dupT).
Protein change: p.Glu396Ter; replaces glutamic acid 396 with a stop codon.
Molecular consequence: nonsense.
Genome position (GRCh38, 1-based): chr5:179,836,455, T duplicated; the last of 2 consecutive T bases (chr5:179,836,454-179,836,455); duplicating either gives the same sequence. VCF-style (leftmost placement, unchanged base first): chr5-179836453-A-AT. GRCh37 (hg19) VCF-style: chr5-179263453-A-AT.
Other names: c.933dup, p.Glu312Ter (NM_001142298.2, NM_001142299.2); short protein forms E312*, E396*.
Identifiers: ClinVar variation 835699 (VCV000835699.10), dbSNP rs1254158201, ClinGen allele CA565353237.